The following is an entry in ClinVar:

NM_003482.4(KMT2D):c.919A>G (p.Met307Val)

Gene: KMT2D (lysine methyltransferase 2D; minus strand). Cytogenetic location: 12q13.12.
Variant type: single nucleotide variant.
Coding change: c.919A>G on transcript NM_003482.4 (MANE Select); coding-DNA position 919, A replaced by G.
Protein change: p.Met307Val; replaces methionine 307 with valine.
Molecular consequence: missense variant.
Genome position (GRCh38, 1-based): chr12:49,053,242, T>C on the plus strand (A>G on the coding strand, the complement: KMT2D is on the minus strand). VCF-style: chr12-49053242-T-C. GRCh37 (hg19) VCF-style: chr12-49447025-T-C.
Other names: short protein forms M307V.
Identifiers: ClinVar variation 3715345 (VCV003715345.2).

ClinVar aggregate classification (germline): Uncertain significance (1 of 4 stars; one submission).

Conditions:
Kabuki syndrome. Also called: NIIKAWA-KUROKI SYNDROME; Kabuki make-up syndrome. Identifiers: Orphanet 2322, MedGen C0796004, MONDO:0016512.

gnomAD v4.1: 2 of 1,613,998 alleles (0.00012%); highest among the groups gnomAD compares: Non-Finnish European, 0.00017%; no homozygotes.

Submission:

Labcorp Genetics (formerly Invitae), Labcorp
Classification: Uncertain significance for Kabuki syndrome. Last evaluated: 2024-06-15. Review status: criteria provided, single submitter. Criteria: Invitae Variant Classification Sherloc (09022015). Collection method: clinical testing. Allele origin: germline.
Comment: This sequence change replaces methionine, which is neutral and non-polar, with valine, which is neutral and non-polar, at codon 307 of the KMT2D protein (p.Met307Val). This variant is present in population databases (no rsID available, gnomAD 0.0009%). This variant has not been reported in the literature in individuals affected with KMT2D-related conditions. Advanced modeling of protein sequence and biophysical properties (such as structural, functional, and spatial information, amino acid conservation, physicochemical variation, residue mobility, and thermodynamic stability) performed at Invitae indicates that this missense variant is expected to disrupt KMT2D protein function with a positive predictive value of 95%. In summary, the available evidence is currently insufficient to determine the role of this variant in disease. Therefore, it has been classified as a Variant of Uncertain Significance.